The following is an entry in ClinVar:

ClinVar aggregate classification (germline): Uncertain significance (1 of 4 stars; one submission).

Conditions:
Hereditary sensory and autonomic neuropathy type 6. Also called: HSAN VI; Neuropathy, hereditary sensory and autonomic, type VI. Identifiers: Orphanet 314381, MedGen C3539003, MONDO:0013839, OMIM 614653.
Epidermolysis bullosa simplex 3, localized or generalized intermediate, with BP230 deficiency (EBS3). Also called: Epidermolysis bullosa simplex, autosomal recessive 2; Epidermolysis bullosa simplex due to BP230 deficiency. Identifiers: Orphanet 412181, MedGen C3809470, MONDO:0014180, OMIM 615425.

Allele frequency attached by ClinVar (database versions not stated): ExAC 0.00001; gnomAD 0.00001; gnomAD exomes 0.00001; TOPMed 0.00001.
gnomAD v4.1: 15 of 1,612,768 alleles (0.00093%); highest among the groups gnomAD compares: Non-Finnish European, 0.000085%; no homozygotes.

Submission:

Labcorp Genetics (formerly Invitae), Labcorp
Classification: Uncertain significance for Epidermolysis bullosa simplex 3, localized or generalized intermediate, with BP230 deficiency; Hereditary sensory and autonomic neuropathy type 6. Last evaluated: 2023-08-27. Review status: criteria provided, single submitter. Criteria: Invitae Variant Classification Sherloc (09022015). Collection method: clinical testing. Allele origin: germline.
Comment: The DST gene has multiple clinically relevant transcripts. This variant occurs in alternate transcript NM_015548.4, and corresponds to NM_001723.5:c.*41818G>C in the primary transcript. This sequence change replaces aspartic acid, which is acidic and polar, with histidine, which is basic and polar, at codon 1783 of the DST protein (p.Asp1783His). This variant is present in population databases (rs781334022, gnomAD 0.04%). This variant has not been reported in the literature in individuals affected with DST-related conditions. Experimental studies and prediction algorithms are not available or were not evaluated, and the functional significance of this variant is currently unknown. In summary, the available evidence is currently insufficient to determine the role of this variant in disease. Therefore, it has been classified as a Variant of Uncertain Significance.

NM_001374736.1(DST):c.13216G>C (p.Asp4406His)

Gene: DST (dystonin; minus strand). Cytogenetic location: 6p12.1.
Variant type: single nucleotide variant.
Coding change: c.13216G>C on transcript NM_001374736.1 (MANE Select); coding-DNA position 13216, G replaced by C.
Protein change: p.Asp4406His; replaces aspartic acid 4406 with histidine.
Molecular consequence: missense variant.
Genome position (GRCh38, 1-based): chr6:56,573,699, C>G on the plus strand (G>C on the coding strand, the complement: DST is on the minus strand). VCF-style: chr6-56573699-C-G. GRCh37 (hg19) VCF-style: chr6-56438497-C-G.
Other names: c.6859G>C, p.Asp2287His (NM_001144769.5); c.6445G>C, p.Asp2149His (NM_001144770.2); c.13216G>C, p.Asp4406His (NM_001374722.1); c.12583G>C, p.Asp4195His (NM_001374729.1); c.6325G>C, p.Asp2109His (NM_001374730.1, NM_001386100.1, NM_183380.4); c.13243G>C, p.Asp4415His (NM_001374734.1); c.5347G>C, p.Asp1783His (NM_015548.5); short protein forms D1783H, D2109H, D2149H, D4406H, D4195H, D4415H, D2287H.
Identifiers: ClinVar variation 2927087 (VCV002927087.3), dbSNP rs781334022, ClinGen allele CA3868264.